The following is an entry in ClinVar:

NM_000181.4(GUSB):c.1329C>T (p.Val443=)

Gene: GUSB (glucuronidase beta; minus strand). Cytogenetic location: 7q11.21.
Variant type: single nucleotide variant.
Coding change: c.1329C>T on transcript NM_000181.4 (MANE Select); coding-DNA position 1329, C replaced by T.
Protein change: p.Val443=; no amino-acid change (valine 443 retained).
Molecular consequence: synonymous variant. On other transcripts: non-coding transcript variant (1).
Genome position (GRCh38, 1-based): chr7:65,974,357, G>A on the plus strand (C>T on the coding strand, the complement: GUSB is on the minus strand). VCF-style: chr7-65974357-G-A. GRCh37 (hg19) VCF-style: chr7-65439344-G-A.
Other names: c.891C>T, p.Val297= (NM_001284290.2); c.759C>T, p.Val253= (NM_001293104.2); c.672C>T, p.Val224= (NM_001293105.2).
Identifiers: ClinVar variation 706945 (VCV000706945.39), dbSNP rs139776224, ClinGen allele CA4276302.
Genomic context (GRCh38, chr7:65,974,357, plus strand): 5'-CAAGTAGTAGCCAGCAGATTCTAGGTGGGACGCAGGCTCGTTGGCCACAGACCACATCAC[G>A]ACCGCGGGGTGGTTCTTGTCCCTACGCACCACTTCTTCCATCACCTGCATGTGGTGATGC-3'
Protein context (NP_000172.2, residues 433-453): VVRRDKNHPA[Val443=]VMWSVANEPA

ClinVar aggregate classification (germline): Benign/Likely benign. Review status: criteria provided, multiple submitters, no conflicts (2 of 4 stars). 4 submissions from 4 submitters: Benign (1); Likely benign (3). Last evaluated 2026-01-28.

Conditions:
Mucopolysaccharidosis type 7 (MPS7). Also called: BETA-GLUCURONIDASE DEFICIENCY; SLY SYNDROME; MPS VII; GUSB DEFICIENCY. Identifiers: Orphanet 584, MedGen C0085132, MONDO:0009662, OMIM 253220.

Allele frequency attached by ClinVar (database versions not stated): gnomAD 0.00016 and 0.00038; TOPMed 0.00023; ESP Exome Variant Server 0.00031; gnomAD exomes 0.00039 and 0.00084; ExAC 0.00088; 1000 Genomes Project 30x 0.00109; 1000 Genomes Project 0.00120.
gnomAD v4.1: 632 of 1,614,122 alleles (0.039%); highest among the groups gnomAD compares: South Asian, 0.6%; 8 homozygotes.

Submissions (4):

Labcorp Genetics (formerly Invitae), Labcorp
Classification: Benign for Mucopolysaccharidosis type 7. Last evaluated: 2026-01-28. Review status: criteria provided, single submitter. Criteria: Invitae Variant Classification Sherloc (09022015). Collection method: clinical testing. Allele origin: germline.

Blueprint Genetics
Classification: Likely benign. Last evaluated: 2024-11-21. Review status: criteria provided, single submitter. Criteria: ACMG Guidelines, 2015. Collection method: clinical testing. Allele origin: germline.

CeGaT Center for Human Genetics Tuebingen
Classification: Likely benign. Last evaluated: 2022-04-01. Review status: criteria provided, single submitter. Criteria: CeGaT Center For Human Genetics Tuebingen Variant Classification Criteria Version 2. Collection method: clinical testing. Allele origin: germline. Affected: yes. Observed: 1 variant allele.
Comment: GUSB: BP4, BP7

Illumina Laboratory Services, Illumina
Classification: Likely benign for Mucopolysaccharidosis type 7. Last evaluated: 2018-01-13. Review status: criteria provided, single submitter. Criteria: ICSL Variant Classification Criteria 13 December 2019. Collection method: clinical testing. Allele origin: germline.
Comment: This variant was observed in the ICSL laboratory as part of a predisposition screen in an ostensibly healthy population. It had not been previously curated by ICSL or reported in the Human Gene Mutation Database (HGMD: prior to June 1st, 2018), and was therefore a candidate for classification through an automated scoring system. Utilizing variant allele frequency, disease prevalence and penetrance estimates, and inheritance mode, an automated score was calculated to assess if this variant is too frequent to cause the disease. Based on the score and internal cut-off values, a variant classified as likely benign is not then subjected to further curation. The score for this variant resulted in a classification of likely benign for this disease.